The following is an entry in ClinVar:

ClinVar aggregate classification (germline): Uncertain significance. Review status: criteria provided, multiple submitters, no conflicts (2 of 4 stars). 2 submissions from 2 submitters: Uncertain significance (2). Last evaluated 2025-12-17.

Allele frequency attached by ClinVar (database versions not stated): gnomAD 0.00001; gnomAD exomes 0.00001; ExAC 0.00002; TOPMed 0.00002.
gnomAD v4.1: 18 of 1,613,626 alleles (0.0011%); highest among the groups gnomAD compares: East Asian, 0.031%; no homozygotes.

Submissions (2):

Labcorp Genetics (formerly Invitae), Labcorp
Classification: Uncertain significance. Last evaluated: 2025-12-17. Review status: criteria provided, single submitter. Criteria: Invitae Variant Classification Sherloc (09022015). Collection method: clinical testing. Allele origin: germline.
Comment: This sequence change replaces histidine, which is basic and polar, with proline, which is neutral and non-polar, at codon 222 of the BUB1 protein (p.His222Pro). This variant is present in population databases (rs777207646, gnomAD 0.006%). This variant has not been reported in the literature in individuals affected with BUB1-related conditions. ClinVar contains an entry for this variant (Variation ID: 1754720). An algorithm developed to predict the effect of missense changes on protein structure and function outputs the following: PolyPhen-2: "Not Available". The proline amino acid residue is found in multiple mammalian species, which suggests that this missense change does not adversely affect protein function. In summary, the available evidence is currently insufficient to determine the role of this variant in disease. Therefore, it has been classified as a Variant of Uncertain Significance.

Ambry Genetics
Classification: Uncertain significance. Last evaluated: 2025-04-10. Review status: criteria provided, single submitter. Criteria: Ambry Variant Classification Scheme 2023. Collection method: clinical testing. Allele origin: germline.

NM_004336.5(BUB1):c.665A>C (p.His222Pro)

Gene: BUB1 (BUB1 mitotic checkpoint serine/threonine kinase; minus strand). Cytogenetic location: 2q13.
Variant type: single nucleotide variant.
Coding change: c.665A>C on transcript NM_004336.5 (MANE Select); coding-DNA position 665, A replaced by C.
Protein change: p.His222Pro; replaces histidine 222 with proline.
Molecular consequence: missense variant.
Genome position (GRCh38, 1-based): chr2:110,667,661, T>G on the plus strand (A>C on the coding strand, the complement: BUB1 is on the minus strand). VCF-style: chr2-110667661-T-G. GRCh37 (hg19) VCF-style: chr2-111425238-T-G.
Other names: c.605A>C, p.His202Pro (NM_001278616.2); c.665A>C, p.His222Pro (NM_001278617.2); short protein forms H202P, H222P.
Identifiers: ClinVar variation 1754720 (VCV001754720.5), dbSNP rs777207646, ClinGen allele CA1828275.